The following is an entry in ClinVar:

NM_000080.4(CHRNE):c.916A>T (p.Arg306Trp)

Genes: C17orf107 (chromosome 17 open reading frame 107; plus strand), CHRNE (cholinergic receptor nicotinic epsilon subunit; minus strand). Cytogenetic location: 17p13.2.
Variant type: single nucleotide variant.
Coding change: c.916A>T on transcript NM_000080.4 (MANE Select); coding-DNA position 916, A replaced by T.
Protein change: p.Arg306Trp; replaces arginine 306 with tryptophan.
Molecular consequence: missense variant. On other transcripts: 3 prime UTR variant (1).
Genome position (GRCh38, 1-based): chr17:4,900,794, T>A on the plus strand (A>T on the coding strand, the complement: CHRNE is on the minus strand). VCF-style: chr17-4900794-T-A. GRCh37 (hg19) VCF-style: chr17-4804089-T-A.
Other names: c.*261T>A (NM_001145536.2); c.916A>T (NM_000080.3); short protein forms R306W.
Identifiers: ClinVar variation 2680781 (VCV002680781.2), dbSNP rs1969955431, ClinGen allele CA397304310.

ClinVar aggregate classification (germline): Conflicting classifications of pathogenicity. Review status: criteria provided, conflicting classifications (1 of 4 stars). 2 submissions from 2 submitters: Likely pathogenic (1); Uncertain significance (1). Last evaluated 2025-01-30.

Conditions:
Congenital myasthenic syndrome 4A. Also called: MYASTHENIC SYNDROME, CONGENITAL, 4A, SLOW-CHANNEL, AUTOSOMAL RECESSIVE; Myasthenic syndrome, congenital, 4a, slow-channel; CONGENITAL MYASTHENIC SYNDROME TYPE Ia1. Identifiers: Orphanet 590, MedGen C4225413, MONDO:0011600, OMIM 605809.

Submissions (2):

GeneDx
Classification: Uncertain significance. Last evaluated: 2025-01-30. Review status: criteria provided, single submitter. Criteria: GeneDx Variant Classification Process June 2021. Collection method: clinical testing. Allele origin: germline. Affected: yes.
Comment: Has been reported in a cohort of patients with congenital myasthenia syndrome; however specific patient clinical details and segregation information were not provided in this report. (PMID: 22678886); Not observed at significant frequency in large population cohorts (gnomAD); In silico analysis supports that this missense variant has a deleterious effect on protein structure/function and splicing; This variant is associated with the following publications: (PMID: 22678886, 16061559)

Baylor Genetics
Classification: Likely pathogenic for Congenital myasthenic syndrome 4A. Last evaluated: 2023-08-08. Review status: criteria provided, single submitter. Criteria: ACMG Guidelines, 2015. Collection method: clinical testing. Allele origin: unknown.